The following is an entry in ClinVar:

NM_000038.6(APC):c.3019A>G (p.Lys1007Glu)

Gene: APC (APC regulator of Wnt signaling pathway; plus strand). Cytogenetic location: 5q22.2.
Variant type: single nucleotide variant.
Coding change: c.3019A>G on transcript NM_000038.6 (MANE Select); coding-DNA position 3019, A replaced by G.
Protein change: p.Lys1007Glu; replaces lysine 1007 with glutamic acid.
Molecular consequence: missense variant.
Genome position (GRCh38, 1-based): chr5:112,838,613, A>G. VCF-style: chr5-112838613-A-G. GRCh37 (hg19) VCF-style: chr5-112174310-A-G.
Other names: c.3019A>G, p.Lys1007Glu (NM_001127510.3, NM_001354895.2); c.2965A>G, p.Lys989Glu (NM_001127511.3); c.3073A>G, p.Lys1025Glu (NM_001354896.2); c.3049A>G, p.Lys1017Glu (NM_001354897.2); c.2944A>G, p.Lys982Glu (NM_001354898.2); c.2935A>G, p.Lys979Glu (NM_001354899.2); c.2896A>G, p.Lys966Glu (NM_001354900.2); c.2842A>G, p.Lys948Glu (NM_001354901.2); and 5 more; short protein forms K1007E, K1017E, K1025E, K724E, K847E, K881E, K906E, K916E.
Identifiers: ClinVar variation 1053709 (VCV001053709.45), dbSNP rs2149882424, ClinGen allele CA16027934.
Genomic context (GRCh38, chr5:112,838,613, plus strand): 5'-TCTGAAGATGATGAAAGTAAGTTTTGCAGTTATGGTCAATACCCAGCCGACCTAGCCCAT[A>G]AAATACATAGTGCAAATCATATGGATGATAATGATGGAGAACTAGATACACCAATAAATT-3'
Protein context (NP_000029.2, residues 997-1017): YGQYPADLAH[Lys1007Glu]IHSANHMDDN

ClinVar aggregate classification (germline): Uncertain significance (1 of 4 stars; one submission).

Conditions:
Familial adenomatous polyposis 1 (FAP1). Also called: FAMILIAL ADENOMATOUS POLYPOSIS 1, ATTENUATED; POLYPOSIS, ADENOMATOUS INTESTINAL. Identifiers: MedGen C2713442, MONDO:0021056, OMIM 175100. Disease mechanism: loss of function.

Submission:

Labcorp Genetics (formerly Invitae), Labcorp
Classification: Uncertain significance for Familial adenomatous polyposis 1. Last evaluated: 2024-02-14. Review status: criteria provided, single submitter. Criteria: Invitae Variant Classification Sherloc (09022015). Collection method: clinical testing. Allele origin: germline.
Comment: This sequence change replaces lysine, which is basic and polar, with glutamic acid, which is acidic and polar, at codon 1007 of the APC protein (p.Lys1007Glu). This variant is not present in population databases (gnomAD no frequency). This variant has not been reported in the literature in individuals affected with APC-related conditions. ClinVar contains an entry for this variant (Variation ID: 1053709). Advanced modeling of protein sequence and biophysical properties (such as structural, functional, and spatial information, amino acid conservation, physicochemical variation, residue mobility, and thermodynamic stability) performed at Invitae indicates that this missense variant is not expected to disrupt APC protein function with a negative predictive value of 95%. In summary, the available evidence is currently insufficient to determine the role of this variant in disease. Therefore, it has been classified as a Variant of Uncertain Significance.